The following is an entry in ClinVar:

NM_006904.7(PRKDC):c.2443G>A (p.Val815Met)

Gene: PRKDC (protein kinase, DNA-activated, catalytic subunit; minus strand). Cytogenetic location: 8q11.21.
Variant type: single nucleotide variant.
Coding change: c.2443G>A on transcript NM_006904.7 (MANE Select); coding-DNA position 2443, G replaced by A.
Protein change: p.Val815Met; replaces valine 815 with methionine.
Molecular consequence: missense variant.
Genome position (GRCh38, 1-based): chr8:47,918,360, C>T on the plus strand (G>A on the coding strand, the complement: PRKDC is on the minus strand). VCF-style: chr8-47918360-C-T. GRCh37 (hg19) VCF-style: chr8-48830920-C-T.
Other names: c.2443G>A, p.Val815Met (NM_001081640.2); short protein forms V815M.
Identifiers: ClinVar variation 3425292 (VCV003425292.1).

ClinVar aggregate classification (germline): Uncertain significance (1 of 4 stars; one submission).

gnomAD v4.1: 1 of 1,587,268 alleles (0.000063%); no homozygotes.

Submission:

Ambry Genetics
Classification: Uncertain significance. Last evaluated: 2024-08-08. Review status: criteria provided, single submitter. Criteria: Ambry Variant Classification Scheme 2023. Collection method: clinical testing. Allele origin: germline.
Comment: The p.V815M variant (also known as c.2443G>A), located in coding exon 22 of the PRKDC gene, results from a G to A substitution at nucleotide position 2443. The valine at codon 815 is replaced by methionine, an amino acid with highly similar properties. This amino acid position is conserved. In addition, this alteration is predicted to be tolerated by in silico analysis. Based on the available evidence, the clinical significance of this variant remains unclear.